The following is an entry in ClinVar:

NM_144658.4(DOCK11):c.3467A>C (p.His1156Pro)

Gene: DOCK11 (dedicator of cytokinesis 11; plus strand). Cytogenetic location: Xq24.
Variant type: single nucleotide variant.
Coding change: c.3467A>C on transcript NM_144658.4 (MANE Select); coding-DNA position 3467, A replaced by C.
Protein change: p.His1156Pro; replaces histidine 1156 with proline.
Molecular consequence: missense variant.
Genome position (GRCh38, 1-based): chrX:118,618,724, A>C. VCF-style: chrX-118618724-A-C. GRCh37 (hg19) VCF-style: chrX-117752687-A-C.
Other names: short protein forms H1156P.
Identifiers: ClinVar variation 4085882 (VCV004085882.8).

ClinVar aggregate classification (germline): Uncertain significance (1 of 4 stars; one submission).

Submission:

CeGaT Center for Human Genetics Tuebingen
Classification: Uncertain significance. Last evaluated: 2025-08-01. Review status: criteria provided, single submitter. Criteria: CeGaT Center For Human Genetics Tuebingen Variant Classification Criteria Version 2. Collection method: clinical testing. Allele origin: germline. Affected: yes. Observed: 1 variant allele.
Comment: DOCK11: PM2, PP3